The following is an entry in ClinVar:

ClinVar aggregate classification (germline): Uncertain significance (1 of 4 stars; one submission).

Submission:

Labcorp Genetics (formerly Invitae), Labcorp
Classification: Uncertain significance. Last evaluated: 2024-08-04. Review status: criteria provided, single submitter. Criteria: Invitae Variant Classification Sherloc (09022015). Collection method: clinical testing. Allele origin: germline.
Comment: This sequence change replaces aspartic acid, which is acidic and polar, with glycine, which is neutral and non-polar, at codon 339 of the POLE protein (p.Asp339Gly). This variant is not present in population databases (gnomAD no frequency). This variant has not been reported in the literature in individuals affected with POLE-related conditions. Advanced modeling of protein sequence and biophysical properties (such as structural, functional, and spatial information, amino acid conservation, physicochemical variation, residue mobility, and thermodynamic stability) performed at Invitae indicates that this missense variant is not expected to disrupt POLE protein function with a negative predictive value of 80%. In summary, the available evidence is currently insufficient to determine the role of this variant in disease. Therefore, it has been classified as a Variant of Uncertain Significance.

NM_006231.4(POLE):c.1016A>G (p.Asp339Gly)

Gene: POLE (DNA polymerase epsilon, catalytic subunit; minus strand). Cytogenetic location: 12q24.33.
Variant type: single nucleotide variant.
Coding change: c.1016A>G on transcript NM_006231.4 (MANE Select); coding-DNA position 1016, A replaced by G.
Protein change: p.Asp339Gly; replaces aspartic acid 339 with glycine.
Molecular consequence: missense variant.
Genome position (GRCh38, 1-based): chr12:132,676,098, T>C on the plus strand (A>G on the coding strand, the complement: POLE is on the minus strand). VCF-style: chr12-132676098-T-C. GRCh37 (hg19) VCF-style: chr12-133252684-T-C.
Other names: short protein forms D339G.
Identifiers: ClinVar variation 3696763 (VCV003696763.2).